The following is an entry in ClinVar:

NM_007294.4(BRCA1):c.2699C>G (p.Thr900Ser)

Gene: BRCA1 (BRCA1 DNA repair associated; minus strand). Cytogenetic location: 17q21.31.
Variant type: single nucleotide variant.
Coding change: c.2699C>G on transcript NM_007294.4 (MANE Select); coding-DNA position 2699, C replaced by G.
Protein change: p.Thr900Ser; replaces threonine 900 with serine.
Molecular consequence: missense variant. On other transcripts: intron variant (137).
Genome position (GRCh38, 1-based): chr17:43,092,832, G>C on the plus strand (C>G on the coding strand, the complement: BRCA1 is on the minus strand). VCF-style: chr17-43092832-G-C. GRCh37 (hg19) VCF-style: chr17-41244849-G-C.
Other names: c.2318C>G, p.Thr773Ser (NM_001407960.1, NM_001407963.1, NM_001407959.1); c.2315C>G, p.Thr772Ser (NM_001407962.1); c.2555C>G, p.Thr852Ser (NM_001407964.1, NM_001407740.1, NM_001407741.1 and 20 more transcripts); c.2195C>G, p.Thr732Ser (NM_001407965.1); c.1811C>G, p.Thr604Ser (NM_001407966.1, NM_001407967.1); c.2558C>G, p.Thr853Ser (NM_007297.4, NM_001407692.1, NM_001407694.1 and 29 more transcripts); c.2699C>G, p.Thr900Ser (NM_007300.4, NM_001407581.1, NM_001407582.1 and 30 more transcripts); c.647-1800C>G (NM_001408458.1, NM_001408453.1, NM_001408461.1 and 11 more transcripts); and 41 more; short protein forms T853S, T900S, T773S, T829S, T874S, T732S, T833S, T852S.
Identifiers: ClinVar variation 1473180 (VCV001473180.11), dbSNP rs2154363860, ClinGen allele CA10596600.

ClinVar aggregate classification (germline): Conflicting classifications of pathogenicity. Review status: criteria provided, conflicting classifications (1 of 4 stars). 2 submissions from 2 submitters: Uncertain significance (1); Likely benign (1). Last evaluated 2023-03-23.

Conditions:
Hereditary cancer-predisposing syndrome. Also called: Neoplastic Syndromes, Hereditary; Hereditary Cancer Syndrome; Tumor predisposition; Hereditary neoplastic syndrome. Identifiers: Orphanet 140162, MedGen C0027672, MeSH D009386, MONDO:0015356.
Hereditary breast ovarian cancer syndrome. Also called: Breast and ovarian cancer; Hereditary breast and ovarian cancer; Hereditary breast and ovarian cancer syndrome; Hereditary breast and ovarian cancer syndrome (HBOC); BRCA1- and BRCA2-Associated Hereditary Breast and Ovarian Cancer; Hereditary breast and/or ovarian cancer syndrome. Identifiers: Orphanet 145, MedGen C0677776, MeSH D061325, MONDO:0003582. Disease mechanism: loss of function.

Submissions (2):

University of Washington Department of Laboratory Medicine, University of Washington
Classification: Likely benign for Hereditary cancer-predisposing syndrome. Last evaluated: 2023-03-23. Review status: criteria provided, single submitter. Criteria: Dines et al. (Genet Med. 2020). Collection method: curation. Allele origin: germline.
Comment: Missense variant in a coldspot region where missense variants are very unlikely to be pathogenic (PMID:31911673).

BRCA1 coldspot (exon 11 using historical exon numbering). Reclassification based on statistical prior probability

Labcorp Genetics (formerly Invitae), Labcorp
Classification: Uncertain significance for Hereditary breast ovarian cancer syndrome. Last evaluated: 2021-03-27. Review status: criteria provided, single submitter. Criteria: Invitae Variant Classification Sherloc (09022015). Collection method: clinical testing. Allele origin: germline.
Comment: In summary, the available evidence is currently insufficient to determine the role of this variant in disease. Therefore, it has been classified as a Variant of Uncertain Significance. Advanced modeling of protein sequence and biophysical properties (such as structural, functional, and spatial information, amino acid conservation, physicochemical variation, residue mobility, and thermodynamic stability) performed at Invitae indicates that this missense variant is not expected to disrupt BRCA1 protein function. This variant has not been reported in the literature in individuals with BRCA1-related conditions. This variant is not present in population databases (ExAC no frequency). This sequence change replaces threonine with serine at codon 900 of the BRCA1 protein (p.Thr900Ser). The threonine residue is moderately conserved and there is a small physicochemical difference between threonine and serine.